The following is an entry in ClinVar:

NC_000002.11:g.(?_51254620)_(51255411_?)del

Gene: NRXN1 (neurexin 1; minus strand). Cytogenetic location: 2p16.3.
Variant type: Deletion.
Identifiers: ClinVar variation 2423804 (VCV002423804.4).

ClinVar aggregate classification (germline): Pathogenic (1 of 4 stars; one submission).

Conditions:
Pitt-Hopkins-like syndrome 2 (PTHSL2). Identifiers: Orphanet 221150, Orphanet 600663, MedGen C3280479, MONDO:0013690, OMIM 614325.

Submission:

Labcorp Genetics (formerly Invitae), Labcorp
Classification: Pathogenic for Pitt-Hopkins-like syndrome 2. Last evaluated: 2023-02-13. Review status: criteria provided, single submitter. Criteria: Invitae Variant Classification Sherloc (09022015). Collection method: clinical testing. Allele origin: germline.
Comment: This variant is a gross deletion of the genomic region encompassing exon(s) 2 of the NRXN1 gene, which includes the initiator codon. This deletion extends beyond the assayed region for this gene and therefore may encompass additional genes. It is expected to result in an absent or disrupted protein product. Loss-of-function variants in NRXN1 are known to be pathogenic (PMID: 19896112, 21964664, 23495017, 23533028, 25149956, 30031152). A similar copy number variant has been observed in individual(s) with NRXN1-related conditions (PMID: 23495017). For these reasons, this variant has been classified as Pathogenic.

Literature cited by the submitters: PubMed 19896112; PubMed 21964664; PubMed 23495017; PubMed 23533028; PubMed 25149956; PubMed 30031152.